The following is an entry in ClinVar:

ClinVar aggregate classification (germline): Uncertain significance (1 of 4 stars; one submission).

Conditions:
Inborn genetic diseases. Identifiers: MedGen C0950123, MeSH D030342.

Submission:

Ambry Genetics
Classification: Uncertain significance for Inborn genetic diseases. Last evaluated: 2025-11-26. Review status: criteria provided, single submitter. Criteria: Ambry Variant Classification Scheme 2023. Collection method: clinical testing. Allele origin: germline.
Comment: The p.A904T variant (also known as c.2710G>A), located in coding exon 11 of the MECOM gene, results from a G to A substitution at nucleotide position 2710. The alanine at codon 904 is replaced by threonine, an amino acid with similar properties. This amino acid position is conserved. In addition, this alteration is predicted to be tolerated by in silico analysis. Based on the available evidence, the clinical significance of this variant remains unclear.

NM_004991.4(MECOM):c.2710G>A (p.Ala904Thr)

Gene: MECOM (MDS1 and EVI1 complex locus; minus strand). Cytogenetic location: 3q26.2.
Variant type: single nucleotide variant.
Coding change: c.2710G>A on transcript NM_004991.4 (MANE Select); coding-DNA position 2710, G replaced by A.
Protein change: p.Ala904Thr; replaces alanine 904 with threonine.
Molecular consequence: missense variant.
Genome position (GRCh38, 1-based): chr3:169,102,121, C>T on the plus strand (G>A on the coding strand, the complement: MECOM is on the minus strand). VCF-style: chr3-169102121-C-T. GRCh37 (hg19) VCF-style: chr3-168819909-C-T.
Other names: c.2341G>A, p.Ala781Thr (NM_001105077.4); c.2146G>A, p.Ala716Thr (NM_001105078.4, NM_001205194.2, NM_001366469.2 and 1 more transcripts); c.2122G>A, p.Ala708Thr (NM_001163999.2, NM_001366470.2); c.2119G>A, p.Ala707Thr (NM_001164000.2, NM_001366471.2, NM_001366472.2); c.2683G>A, p.Ala895Thr (NM_001366466.2); c.2149G>A, p.Ala717Thr (NM_001366467.2, NM_001366468.2); c.1711G>A, p.Ala571Thr (NM_001366473.2); c.1147G>A, p.Ala383Thr (NM_001366474.2); short protein forms A383T, A707T, A895T, A781T, A708T, A716T, A904T, A571T.
Identifiers: ClinVar variation 4624717 (VCV004624717.1).